The following is an entry in ClinVar:

NM_000137.4(FAH):c.483C>T (p.Gly161=)

Gene: FAH (fumarylacetoacetate hydrolase; plus strand). Cytogenetic location: 15q25.1.
Variant type: single nucleotide variant.
Coding change: c.483C>T on transcript NM_000137.4 (MANE Select); coding-DNA position 483, C replaced by T.
Protein change: p.Gly161=; no amino-acid change (glycine 161 retained).
Molecular consequence: synonymous variant.
Genome position (GRCh38, 1-based): chr15:80,168,079, C>T. VCF-style: chr15-80168079-C-T. GRCh37 (hg19) VCF-style: chr15-80460421-C-T.
Other names: p.Gly161=; c.483C>T, p.Gly161= (NM_001374377.1, NM_001374380.1).
Identifiers: ClinVar variation 381848 (VCV000381848.19), dbSNP rs116272698, ClinGen allele CA7691194.

ClinVar aggregate classification (germline): Benign/Likely benign. Review status: criteria provided, multiple submitters, no conflicts (2 of 4 stars). 7 submissions from 7 submitters: Benign (4); Likely benign (2). 1 of the submissions does not count toward it. Last evaluated 2026-02-04.

Conditions:
Tyrosinemia type I (TYRSN1). Also called: Tyrosinemia type 1; Fumarylacetoacetase deficiency; HEPATORENAL TYROSINEMIA; Deficiency of fumarylacetoacetase; FAH DEFICIENCY. Identifiers: Orphanet 882, MedGen C0268490, MONDO:0010161, OMIM 276700. Disease mechanism: loss of function.

Allele frequency attached by ClinVar (database versions not stated): gnomAD exomes 0.00080 and 0.00229; ExAC 0.00273; gnomAD 0.00868 and 0.00943; 1000 Genomes Project 0.00899; 1000 Genomes Project 30x 0.00953; ESP Exome Variant Server 0.00961; TOPMed 0.01043.
gnomAD v4.1: 2,541 of 1,614,126 alleles (0.16%); highest among the groups gnomAD compares: African/African-American, 2.9%; 33 homozygotes.

Submissions (7):

Labcorp Genetics (formerly Invitae), Labcorp
Classification: Benign for Tyrosinemia type I. Last evaluated: 2026-02-04. Review status: criteria provided, single submitter. Criteria: Invitae Variant Classification Sherloc (09022015). Collection method: clinical testing. Allele origin: germline.

Mayo Clinic Laboratories, Mayo Clinic
Classification: Benign. Last evaluated: 2025-02-20. Review status: criteria provided, single submitter. Criteria: ACMG Guidelines, 2015. Collection method: clinical testing. Allele origin: germline. Observed: 8 variant alleles.
Comment: BS1, BS2, BP4, BP7

Women's Health and Genetics/Laboratory Corporation of America, LabCorp
Classification: Likely benign. Last evaluated: 2022-02-18. Review status: criteria provided, single submitter. Criteria: LabCorp Variant Classification Summary - May 2015. Collection method: clinical testing. Allele origin: germline.

Illumina Laboratory Services, Illumina
Classification: Benign for Tyrosinemia type I. Last evaluated: 2018-01-12. Review status: criteria provided, single submitter. Criteria: ICSL Variant Classification Criteria 13 December 2019. Collection method: clinical testing. Allele origin: germline.
Comment: This variant was observed in the ICSL laboratory as part of a predisposition screen in an ostensibly healthy population. It had not been previously curated by ICSL or reported in the Human Gene Mutation Database (HGMD: prior to June 1st, 2018), and was therefore a candidate for classification through an automated scoring system. Utilizing variant allele frequency, disease prevalence and penetrance estimates, and inheritance mode, an automated score was calculated to assess if this variant is too frequent to cause the disease. Based on the score and internal cut-off values, a variant classified as benign is not then subjected to further curation. The score for this variant resulted in a classification of benign for this disease.

GeneDx
Classification: Benign. Last evaluated: 2016-11-02. Review status: criteria provided, single submitter. Criteria: GeneDx Variant Classification (06012015). Collection method: clinical testing. Allele origin: germline. Affected: yes.
Comment: This variant is considered likely benign or benign based on one or more of the following criteria: it is a conservative change, it occurs at a poorly conserved position in the protein, it is predicted to be benign by multiple in silico algorithms, and/or has population frequency not consistent with disease.

Breakthrough Genomics
Classification: Likely benign. Review status: criteria provided, single submitter. Criteria: ACMG Guidelines, 2015. Collection method: not provided. Allele origin: germline. Inheritance: Autosomal recessive inheritance. Affected: yes.

Natera, Inc.
Classification: Benign for Tyrosinemia type I. Last evaluated: 2020-05-13. Review status: no assertion criteria provided. Collection method: clinical testing. Allele origin: germline. Not counted in ClinVar's aggregate classification.